The following is an entry in ClinVar:

NM_001122752.2(SERPINI1):c.482A>T (p.Asn161Ile)

Gene: SERPINI1 (serpin family I member 1; plus strand). Cytogenetic location: 3q26.1.
Variant type: single nucleotide variant.
Coding change: c.482A>T on transcript NM_001122752.2 (MANE Select); coding-DNA position 482, A replaced by T.
Protein change: p.Asn161Ile; replaces asparagine 161 with isoleucine.
Molecular consequence: missense variant.
Genome position (GRCh38, 1-based): chr3:167,792,590, A>T. VCF-style: chr3-167792590-A-T. GRCh37 (hg19) VCF-style: chr3-167510378-A-T.
Other names: c.482A>T, p.Asn161Ile (NM_005025.5); short protein forms N161I.
Identifiers: ClinVar variation 466618 (VCV000466618.8), dbSNP rs1553774731, ClinGen allele CA355156431.

ClinVar aggregate classification (germline): Uncertain significance (1 of 4 stars; one submission).

Conditions:
Familial encephalopathy with neuroserpin inclusion bodies. Also called: ENCEPHALOPATHY, FAMILIAL, WITH COLLINS BODIES. Identifiers: Orphanet 85110, MedGen C1858680, MONDO:0011412, OMIM 604218.

Submission:

Labcorp Genetics (formerly Invitae), Labcorp
Classification: Uncertain significance for Familial encephalopathy with neuroserpin inclusion bodies. Last evaluated: 2020-01-24. Review status: criteria provided, single submitter. Criteria: Invitae Variant Classification Sherloc (09022015). Collection method: clinical testing. Allele origin: germline.
Comment: This sequence change replaces asparagine with isoleucine at codon 161 of the SERPINI1 protein (p.Asn161Ile). The asparagine residue is moderately conserved and there is a large physicochemical difference between asparagine and isoleucine. In summary, the available evidence is currently insufficient to determine the role of this variant in disease. Therefore, it has been classified as a Variant of Uncertain Significance. Algorithms developed to predict the effect of sequence changes on RNA splicing suggest that this variant may disrupt the consensus splice site, but this prediction has not been confirmed by published transcriptional studies. Algorithms developed to predict the effect of missense changes on protein structure and function do not agree on the potential impact of this missense change (SIFT: "Deleterious"; PolyPhen-2: "Benign"; Align-GVGD: "Class C15"). This variant has not been reported in the literature in individuals with SERPINI1-related disease. This variant is not present in population databases (ExAC no frequency).